The following is an entry in ClinVar:

NM_007294.4(BRCA1):c.5467+17T>A

Gene: BRCA1 (BRCA1 DNA repair associated; minus strand). Cytogenetic location: 17q21.31.
Variant type: single nucleotide variant.
Coding change: c.5467+17T>A on transcript NM_007294.4 (MANE Select); 17 bases into the intron after coding-DNA position 5467, T replaced by A.
Molecular consequence: intron variant.
Genome position (GRCh38, 1-based): chr17:43,047,626, A>T on the plus strand (T>A on the coding strand, the complement: BRCA1 is on the minus strand). VCF-style: chr17-43047626-A-T. GRCh37 (hg19) VCF-style: chr17-41199643-A-T.
Other names: c.5464+17T>A (NM_001407625.1, NM_001407619.1, NM_001407610.1 and 14 more transcripts); c.5338+17T>A (NM_001407684.1, NM_001407686.1, NM_001407685.1 and 6 more transcripts); c.5467+17T>A (NM_001407594.1, NM_001407593.1, NM_001407603.1 and 5 more transcripts); c.5530+17T>A (NM_001407583.1, NM_001407587.1, NM_001407585.1 and 1 more transcripts); c.5326+17T>A (NM_001407724.1, NM_001407697.1, NM_001407728.1 and 12 more transcripts); c.5320+17T>A (NM_001407838.1, NM_001407848.1, NM_001407839.1 and 12 more transcripts); c.2083+17T>A (NM_001408410.1); c.5323+17T>A (NM_001407741.1, NM_001407747.1, NM_001407745.1 and 18 more transcripts); and 83 more.
Identifiers: ClinVar variation 867550 (VCV000867550.5), dbSNP rs1267019068, ClinGen allele CA772165321.

ClinVar aggregate classification (germline): Likely benign (1 of 4 stars; one submission).

Conditions:
Hereditary breast ovarian cancer syndrome. Also called: Hereditary breast and ovarian cancer; Hereditary breast and ovarian cancer syndrome (HBOC); Breast and ovarian cancer; Hereditary breast and/or ovarian cancer syndrome; BRCA1- and BRCA2-Associated Hereditary Breast and Ovarian Cancer; Hereditary breast and ovarian cancer syndrome. Identifiers: Orphanet 145, MedGen C0677776, MeSH D061325, MONDO:0003582. Disease mechanism: loss of function.

Allele frequency attached by ClinVar (database versions not stated): TOPMed 0.00001.

Submissions (2):

Labcorp Genetics (formerly Invitae), Labcorp
Classification: Likely benign for Hereditary breast ovarian cancer syndrome. Last evaluated: 2024-11-24. Review status: criteria provided, single submitter. Criteria: Invitae Variant Classification Sherloc (09022015). Collection method: clinical testing. Allele origin: germline.

Brotman Baty Institute, University of Washington
No classification provided (evidence only). Condition: Breast-ovarian cancer, familial 1. Review status: no classification provided. Collection method: in vitro. Allele origin: not applicable. Functional consequence: functionally_normal. Not counted in ClinVar's aggregate classification.
ClinVar note: "not provided" was previously submitted as the classification for the variant. However, the classification appeared to be based only on an observation of functional data so it was converted to no classification on 2025-07-30.